The following is an entry in ClinVar:

NM_145239.3(PRRT2):c.854T>C (p.Ile285Thr)

Genes: MVP-DT (MVP divergent transcript; minus strand), PRRT2 (proline rich transmembrane protein 2; plus strand). Cytogenetic location: 16p11.2.
Variant type: single nucleotide variant.
Coding change: c.854T>C on transcript NM_145239.3 (MANE Select); coding-DNA position 854, T replaced by C.
Protein change: p.Ile285Thr; replaces isoleucine 285 with threonine.
Molecular consequence: missense variant.
Genome position (GRCh38, 1-based): chr16:29,813,908, T>C. VCF-style: chr16-29813908-T-C. GRCh37 (hg19) VCF-style: chr16-29825229-T-C.
Other names: c.854T>C, p.Ile285Thr (NM_001256442.2, NM_001256443.2); short protein forms I285T.
Identifiers: ClinVar variation 2697703 (VCV002697703.3), dbSNP rs2543336511, ClinGen allele CA395480131.

ClinVar aggregate classification (germline): Uncertain significance (1 of 4 stars; one submission).

Conditions:
Episodic kinesigenic dyskinesia (EKD). Also called: Paroxysmal kinesigenic dyskinesia. Identifiers: Orphanet 98809, MedGen C1868682, MONDO:0044202.

Submission:

Labcorp Genetics (formerly Invitae), Labcorp
Classification: Uncertain significance for Episodic kinesigenic dyskinesia. Last evaluated: 2025-01-19. Review status: criteria provided, single submitter. Criteria: Invitae Variant Classification Sherloc (09022015). Collection method: clinical testing. Allele origin: germline.
Comment: This sequence change replaces isoleucine, which is neutral and non-polar, with threonine, which is neutral and polar, at codon 285 of the PRRT2 protein (p.Ile285Thr). This variant is not present in population databases (gnomAD no frequency). This variant has not been reported in the literature in individuals affected with PRRT2-related conditions. ClinVar contains an entry for this variant (Variation ID: 2697703). Invitae Evidence Modeling of protein sequence and biophysical properties (such as structural, functional, and spatial information, amino acid conservation, physicochemical variation, residue mobility, and thermodynamic stability) has been performed for this missense variant. However, the output from this modeling did not meet the statistical confidence thresholds required to predict the impact of this variant on PRRT2 protein function. In summary, the available evidence is currently insufficient to determine the role of this variant in disease. Therefore, it has been classified as a Variant of Uncertain Significance.